The following is an entry in ClinVar:

NM_001378615.1(CC2D2A):c.1250ATC[1] (p.His418del)

Genes: CC2D2A (coiled-coil and C2 domain containing 2A; plus strand), FBXL5 (F-box and leucine rich repeat protein 5; minus strand). Cytogenetic location: 4p15.32.
Variant type: Microsatellite.
Coding change: c.1250ATC[1] on transcript NM_001378615.1 (MANE Select); one copy of the 3-base unit ATC starting at c.1250; the reference has two copies in a row; one copy, 3 bases deleted.
Protein change: p.His418del; deletes histidine 418.
Molecular consequence: inframe deletion.
Genome position (GRCh38, 1-based): chr4:15,527,550-15,527,552, ATC deleted; deleting any 3 consecutive bases within chr4:15,527,545-15,527,552 gives the same sequence; the position shown is the placement nearest the transcript's 3' end. VCF-style (leftmost placement, unchanged base first): chr4-15527544-CTCA-C. GRCh37 (hg19) VCF-style: chr4-15529167-CTCA-C.
Other names: c.1250ATC[1], p.His418del (NM_001080522.2); c.1103ATC[1], p.His369del (NM_001378617.1); short protein forms H369del, H418del.
Identifiers: ClinVar variation 5003948 (VCV005003948.1).

ClinVar aggregate classification (germline): Uncertain significance (1 of 4 stars; one submission).

Conditions:
Joubert syndrome and related disorders. Identifiers: Orphanet 140874, MedGen C5679612, MONDO:0015369.

Submission:

Myriad Genetics, Inc.
Classification: Uncertain significance for Joubert syndrome and related disorders. Last evaluated: 2025-11-03. Review status: criteria provided, single submitter. Criteria: Myriad Autosomal Dominant, Autosomal Recessive and X-Linked Classification Criteria (2023). Collection method: clinical testing. Allele origin: unknown.
Comment: NM_001080522.2(CC2D2A):c.1253_1255delATC(H418del) is an in-frame deletion classified as a variant of uncertain significance in the context of CC2D2A-related disorders. H418del has not been observed in cases with relevant disease. Relevant functional assessments of this variant are not available in the literature. H418del has not been observed in referenced population frequency databases. In summary, there is insufficient evidence to classify NM_001080522.2(CC2D2A):c.1253_1255delATC(H418del) as pathogenic or benign. Please note: this variant was assessed in the context of healthy population screening.